The following is an entry in ClinVar:

ClinVar aggregate classification (germline): Pathogenic (1 of 4 stars; one submission).

Conditions:
Sjögren-Larsson syndrome (SLS). Also called: FALDH DEFICIENCY; FATTY ALCOHOL:NAD+ OXIDOREDUCTASE DEFICIENCY; FATTY ALDEHYDE DEHYDROGENASE DEFICIENCY; ICHTHYOSIS, SPASTIC NEUROLOGIC DISORDER, AND OLIGOPHRENIA. Identifiers: Orphanet 816, MedGen C0037231, MONDO:0010031, OMIM 270200.

Submission:

Myriad Genetics, Inc.
Classification: Pathogenic for Sjögren-Larsson syndrome. Last evaluated: 2024-01-21. Review status: criteria provided, single submitter. Criteria: Myriad Autosomal Dominant, Autosomal Recessive and X-Linked Classification Criteria (2023). Collection method: clinical testing. Allele origin: unknown.
Comment: NM_000382.2(ALDH3A2):c.739_740delAT(I247Sfs*3) is expected to be pathogenic in the context of Sjogren-Larsson syndrome. This variant is predicted to lead to an abnormal or absent protein product due to the creation of a premature termination codon in ALDH3A2, a gene where loss-of-function variants are known to be pathogenic. Please note: this variant was assessed in the context of healthy population screening.

NM_000382.3(ALDH3A2):c.739_740del (p.Ile247fs)

Gene: ALDH3A2 (aldehyde dehydrogenase 3 family member A2; plus strand). Cytogenetic location: 17p11.2.
Variant type: Microsatellite.
Coding change: c.739_740del on transcript NM_000382.3 (MANE Select); coding-DNA positions 739 to 740, 2 bases deleted (AT; older notation c.739_740delAT).
Protein change: p.Ile247fs; shifts the reading frame from isoleucine 247.
Molecular consequence: frameshift variant.
Genome position (GRCh38, 1-based): chr17:19,657,803-19,657,804, AT deleted; deleting any 2 consecutive bases within chr17:19,657,800-19,657,804 gives the same sequence; the c. name uses the placement nearest the transcript's 3' end. VCF-style (leftmost placement, unchanged base first): chr17-19657799-CTA-C. GRCh37 (hg19) VCF-style: chr17-19561112-CTA-C.
Other names: c.739_740del, p.Ile247fs (NM_001031806.2, NM_001369136.1, NM_001369137.2 and 3 more transcripts); c.160_161del, p.Ile54fs (NM_001369148.2); short protein forms I247fs, I54fs.
Identifiers: ClinVar variation 5012658 (VCV005012658.1).